The following is an entry in ClinVar:

ClinVar aggregate classification (germline): Uncertain significance (1 of 4 stars; one submission).

Allele frequency attached by ClinVar (database versions not stated): gnomAD exomes below 0.00001.
gnomAD v4.1: 1 of 1,613,892 alleles (0.000062%); highest among the groups gnomAD compares: Non-Finnish European, 0.000085%; no homozygotes.

Submission:

GeneDx
Classification: Uncertain significance. Last evaluated: 2023-01-10. Review status: criteria provided, single submitter. Criteria: GeneDx Variant Classification Process June 2021. Collection method: clinical testing. Allele origin: germline. Affected: yes.
Comment: Not observed at significant frequency in large population cohorts (gnomAD); In silico analysis supports that this missense variant has a deleterious effect on protein structure/function; Has not been previously published as pathogenic or benign to our knowledge

NM_014991.6(WDFY3):c.9238G>A (p.Gly3080Ser)

Gene: WDFY3 (WD repeat and FYVE domain containing 3; minus strand). Cytogenetic location: 4q21.23.
Variant type: single nucleotide variant.
Coding change: c.9238G>A on transcript NM_014991.6 (MANE Select); coding-DNA position 9238, G replaced by A.
Protein change: p.Gly3080Ser; replaces glycine 3080 with serine.
Molecular consequence: missense variant.
Genome position (GRCh38, 1-based): chr4:84,690,631, C>T on the plus strand (G>A on the coding strand, the complement: WDFY3 is on the minus strand). VCF-style: chr4-84690631-C-T. GRCh37 (hg19) VCF-style: chr4-85611784-C-T.
Other names: short protein forms G3080S.
Identifiers: ClinVar variation 2571965 (VCV002571965.1), dbSNP rs2530738967, ClinGen allele CA357537265.